The following is an entry in ClinVar:

ClinVar aggregate classification (germline): Uncertain significance. Review status: criteria provided, multiple submitters, no conflicts (2 of 4 stars). 4 submissions from 4 submitters: Uncertain significance (4). Last evaluated 2026-07-06.

Conditions:
Aplastic anemia. Identifiers: Orphanet 182040, Orphanet 88, MedGen C0002874, MONDO:0015909, OMIM 609135, HP:0001915.
Microcephaly, normal intelligence and immunodeficiency (NBS). Also called: SEEMANOVA SYNDROME II; Nijmegen breakage syndrome; IMMUNODEFICIENCY, MICROCEPHALY, AND CHROMOSOMAL INSTABILITY; Ataxia telangiectasia variant V1; Microcephaly with normal intelligence immunodeficiency and lymphoreticular malignancies; Nonsyndromal microcephaly autosomal recessive with normal intelligence. Identifiers: Orphanet 647, MedGen C0398791, MONDO:0009623, OMIM 251260.
Hereditary cancer-predisposing syndrome. Also called: Tumor predisposition; Hereditary neoplastic syndrome; Neoplastic Syndromes, Hereditary; Hereditary Cancer Syndrome. Identifiers: Orphanet 140162, MedGen C0027672, MeSH D009386, MONDO:0015356.

Submissions (4):

Ambry Genetics
Classification: Uncertain significance for Hereditary cancer-predisposing syndrome. Last evaluated: 2026-07-06. Review status: criteria provided, single submitter. Criteria: Ambry Variant Classification Scheme 2023. Collection method: clinical testing. Allele origin: germline.
Comment: The p.G27E variant (also known as c.80G>A), located in coding exon 2 of the NBN gene, results from a G to A substitution at nucleotide position 80. The glycine at codon 27 is replaced by glutamic acid, an amino acid with similar properties. This amino acid position is conserved. In addition, this alteration is predicted to be deleterious by in silico analysis. Based on the available evidence, the clinical significance of this variant remains unclear.

Baylor Genetics
Classification: Uncertain significance for Aplastic anemia. Last evaluated: 2024-02-27. Review status: criteria provided, single submitter. Criteria: ACMG Guidelines, 2015. Collection method: clinical testing. Allele origin: unknown.

Quest Diagnostics Nichols Institute San Juan Capistrano
Classification: Uncertain significance. Last evaluated: 2023-07-03. Review status: criteria provided, single submitter. Criteria: Quest Diagnostics criteria. Collection method: clinical testing. Allele origin: unknown.
Comment: This variant has not been reported in the published literature. It also has not been reported in large, multi-ethnic general populations (Genome Aggregation Database). Analysis of this variant using bioinformatics tools for the prediction of the effect of amino acid changes on protein structure and function yielded predictions that this variant is damaging. Based on the available information, we are unable to determine the clinical significance of this variant.

Labcorp Genetics (formerly Invitae), Labcorp
Classification: Uncertain significance for Microcephaly, normal intelligence and immunodeficiency. Last evaluated: 2019-11-27. Review status: criteria provided, single submitter. Criteria: Invitae Variant Classification Sherloc (09022015). Collection method: clinical testing. Allele origin: germline.
Comment: Algorithms developed to predict the effect of missense changes on protein structure and function are either unavailable or do not agree on the potential impact of this missense change (SIFT: "Deleterious"; PolyPhen-2: "Probably Damaging"; Align-GVGD: "Class C0"). This variant has not been reported in the literature in individuals with NBN-related conditions. In summary, the available evidence is currently insufficient to determine the role of this variant in disease. Therefore, it has been classified as a Variant of Uncertain Significance. This variant is not present in population databases (ExAC no frequency). This sequence change replaces glycine with glutamic acid at codon 27 of the NBN protein (p.Gly27Glu). The glycine residue is highly conserved and there is a moderate physicochemical difference between glycine and glutamic acid.

NM_002485.5(NBN):c.80G>A (p.Gly27Glu)

Gene: NBN (nibrin; minus strand). Cytogenetic location: 8q21.3.
Variant type: single nucleotide variant.
Coding change: c.80G>A on transcript NM_002485.5 (MANE Select); coding-DNA position 80, G replaced by A.
Protein change: p.Gly27Glu; replaces glycine 27 with glutamic acid.
Molecular consequence: missense variant. On other transcripts: 5 prime UTR variant (1).
Genome position (GRCh38, 1-based): chr8:89,982,813, C>T on the plus strand (G>A on the coding strand, the complement: NBN is on the minus strand). VCF-style: chr8-89982813-C-T. GRCh37 (hg19) VCF-style: chr8-90995041-C-T.
Other names: c.-217G>A (NM_001024688.3); short protein forms G27E.
Identifiers: ClinVar variation 837991 (VCV000837991.12), dbSNP rs755171159, ClinGen allele CA371663426.